The following is an entry in ClinVar:

NM_002578.5(PAK3):c.1044C>T (p.Gly348=)

Gene: PAK3 (p21 (RAC1) activated kinase 3; plus strand). Cytogenetic location: Xq23.
Variant type: single nucleotide variant.
Coding change: c.1044C>T on transcript NM_002578.5 (MANE Select); coding-DNA position 1044, C replaced by T.
Protein change: p.Gly348=; no amino-acid change (glycine 348 retained).
Molecular consequence: synonymous variant. On other transcripts: non-coding transcript variant (2).
Genome position (GRCh38, 1-based): chrX:111,194,352, C>T. VCF-style: chrX-111194352-C-T. GRCh37 (hg19) VCF-style: chrX-110437580-C-T.
Other names: c.1044C>T, p.Gly348= (NM_001128166.3, NM_001128167.3, NM_001324325.2 and 5 more transcripts); c.1152C>T, p.Gly384= (NM_001128168.3); c.1107C>T, p.Gly369= (NM_001128172.2); c.1089C>T, p.Gly363= (NM_001128173.3, NM_001324327.2, NM_001324328.2 and 2 more transcripts).
Identifiers: ClinVar variation 2661200 (VCV002661200.24), dbSNP rs1270219752, ClinGen allele CA518028651.
Genomic context (GRCh38, chrX:111,194,352, plus strand): 5'-TTGTTATAGCTACTTGGTGGGTGATGAACTATGGGTAGTCATGGAATACTTGGCTGGTGG[C>T]TCTCTGACTGATGTGGTCACAGAGACCTGTATGGATGAAGGACAGATAGCAGCTGTCTGC-3'
Protein context (NP_002569.1, residues 338-358): LWVVMEYLAG[Gly348=]SLTDVVTETC

ClinVar aggregate classification (germline): Likely benign (1 of 4 stars; one submission).

Allele frequency attached by ClinVar (database versions not stated): gnomAD 0.00002; TOPMed 0.00002; gnomAD exomes 0.00003.
gnomAD v4.1: 28 of 1,187,405 alleles (0.0024%); highest among the groups gnomAD compares: Non-Finnish European, 0.0032%; no homozygotes.

Submission:

CeGaT Center for Human Genetics Tuebingen
Classification: Likely benign. Last evaluated: 2023-04-01. Review status: criteria provided, single submitter. Criteria: CeGaT Center For Human Genetics Tuebingen Variant Classification Criteria Version 2. Collection method: clinical testing. Allele origin: germline. Affected: yes. Observed: 1 variant allele.
Comment: PAK3: BP4, BP7